The following is an entry in ClinVar:

NM_001082486.2(ACD):c.*32T>A

Gene: ACD (ACD shelterin complex subunit and telomerase recruitment factor; minus strand). Cytogenetic location: 16q22.1.
Variant type: single nucleotide variant.
Coding change: c.*32T>A on transcript NM_001082486.2 (MANE Select); 32 bases downstream of the stop codon, T replaced by A.
Molecular consequence: 3 prime UTR variant.
Genome position (GRCh38, 1-based): chr16:67,657,574, A>T on the plus strand (T>A on the coding strand, the complement: ACD is on the minus strand). VCF-style: chr16-67657574-A-T. GRCh37 (hg19) VCF-style: chr16-67691477-A-T.
Other names: c.*32T>A (NM_022914.3).
Identifiers: ClinVar variation 1235552 (VCV001235552.6), dbSNP rs72556537, ClinGen allele CA8114341.

ClinVar aggregate classification (germline): Benign. Review status: criteria provided, multiple submitters, no conflicts (2 of 4 stars). 3 submissions from 3 submitters: Benign (3). Last evaluated 2023-11-12.

Allele frequency attached by ClinVar (database versions not stated): 1000 Genomes Project 0.05871; 1000 Genomes Project 30x 0.05965; TOPMed 0.07357; ESP Exome Variant Server 0.07364; gnomAD 0.07848 and 0.07870; gnomAD exomes 0.09175 and 0.09431; ExAC 0.09339.
gnomAD v4.1: 145,676 of 1,613,908 alleles (9%); highest among the groups gnomAD compares: Admixed American, 13%; 7,411 homozygotes.

Submissions (3):

Unidad de Genómica Garrahan, Hospital de Pediatría Garrahan
Classification: Benign. Last evaluated: 2023-11-12. Review status: criteria provided, single submitter. Criteria: ACMG Guidelines, 2015. Collection method: clinical testing. Allele origin: germline. Affected: no. Observed: 25 variant alleles.
Comment: This variant is classified as Benign based on local population frequency. This variant was detected in 26% of patients studied by a panel of primary immunodeficiencies. Number of patients: 25. Only high quality variants are reported.

GeneDx
Classification: Benign. Last evaluated: 2019-01-24. Review status: criteria provided, single submitter. Criteria: GeneDx Variant Classification Process June 2021. Collection method: clinical testing. Allele origin: germline. Affected: yes.

Breakthrough Genomics
Classification: Benign. Review status: criteria provided, single submitter. Criteria: ACMG Guidelines, 2015. Collection method: not provided. Allele origin: germline. Inheritance: Autosomal dominant inheritance. Affected: yes.